The following is an entry in ClinVar:

ClinVar aggregate classification (germline): Likely benign (0 of 4 stars; one submission).

Conditions:
PLXNA3-related disorder. Also called: PLXNA3-related condition.

Submission:

PreventionGenetics, part of Exact Sciences
Classification: Likely benign for PLXNA3-related condition. Last evaluated: 2021-09-10. Review status: no assertion criteria provided. Collection method: clinical testing. Allele origin: germline.
Comment: This variant is classified as likely benign based on ACMG/AMP sequence variant interpretation guidelines (Richards et al. 2015 PMID: 25741868, with internal and published modifications).

NM_017514.5(PLXNA3):c.42G>C (p.Val14=)

Gene: PLXNA3 (plexin A3; plus strand). Cytogenetic location: Xq28.
Variant type: single nucleotide variant.
Coding change: c.42G>C on transcript NM_017514.5 (MANE Select); coding-DNA position 42, G replaced by C.
Protein change: p.Val14=; no amino-acid change (valine 14 retained).
Molecular consequence: synonymous variant.
Genome position (GRCh38, 1-based): chrX:154,460,225, G>C. VCF-style: chrX-154460225-G-C. GRCh37 (hg19) VCF-style: chrX-153688565-G-C.
Identifiers: ClinVar variation 3030538 (VCV003030538.2), dbSNP rs375310385, ClinGen allele CA10563579.